The following is an entry in ClinVar:

NM_005896.4(IDH1):c.246G>C (p.Arg82Ser)

Gene: IDH1 (isocitrate dehydrogenase (NADP(+)) 1; minus strand). Cytogenetic location: 2q34.
Variant type: single nucleotide variant.
Coding change: c.246G>C on transcript NM_005896.4 (MANE Select); coding-DNA position 246, G replaced by C.
Protein change: p.Arg82Ser; replaces arginine 82 with serine.
Molecular consequence: missense variant.
Genome position (GRCh38, 1-based): chr2:208,248,537, C>G on the plus strand (G>C on the coding strand, the complement: IDH1 is on the minus strand). VCF-style: chr2-208248537-C-G. GRCh37 (hg19) VCF-style: chr2-209113261-C-G.
Other names: c.246G>C, p.Arg82Ser (NM_001282386.1, NM_001282387.1); short protein forms R82S.
Identifiers: ClinVar variation 1791761 (VCV001791761.3), dbSNP rs575483212, ClinGen allele CA350102020.
Genomic context (GRCh38, chr2:208,248,537, plus strand): 5'-AATATTTCGTATGGTGCCATTTGGTGATTTCCACATTTGTTTCAACTTGAACTCCTCAAC[C>G]CTCTTCTCATCAGGAGTGATAGTGGCACATTTGACGCCAACATTATGCTTCTTTATAGCT-3'
Protein context (NP_005887.2, residues 72-92): KCATITPDEK[Arg82Ser]VEEFKLKQMW

ClinVar aggregate classification (germline): Uncertain significance (1 of 4 stars; one submission).

Allele frequency attached by ClinVar (database versions not stated): gnomAD exomes below 0.00001.
gnomAD v4.1: 2 of 1,614,118 alleles (0.00012%); highest among the groups gnomAD compares: Non-Finnish European, 0.00017%; no homozygotes.

Submission:

Ambry Genetics
Classification: Uncertain significance. Last evaluated: 2024-07-23. Review status: criteria provided, single submitter. Criteria: Ambry Variant Classification Scheme 2023. Collection method: clinical testing. Allele origin: germline.
Comment: The p.R82S variant (also known as c.246G>C), located in coding exon 2 of the IDH1 gene, results from a G to C substitution at nucleotide position 246. The arginine at codon 82 is replaced by serine, an amino acid with dissimilar properties. This amino acid position is conserved. In addition, this alteration is predicted to be deleterious by in silico analysis. Since supporting evidence is limited at this time, the clinical significance of this alteration remains unclear.